The following is an entry in ClinVar:

NM_000059.4(BRCA2):c.6103dup (p.Thr2035fs)

Gene: BRCA2 (BRCA2 DNA repair associated; plus strand). Cytogenetic location: 13q13.1.
Variant type: Duplication.
Coding change: c.6103dup on transcript NM_000059.4 (MANE Select); coding-DNA position 6103, one base duplicated (A; older notation c.6103dupA).
Protein change: p.Thr2035fs; shifts the reading frame from threonine 2035.
Molecular consequence: frameshift variant. On other transcripts: non-coding transcript variant (1), intron variant (2).
Genome position (GRCh38, 1-based): chr13:32,340,458, A duplicated. VCF-style (leftmost placement, unchanged base first): chr13-32340457-T-TA. GRCh37 (hg19) VCF-style: chr13-32914594-T-TA.
Other names: c.6103dup, p.Thr2035fs (NM_001406719.1, NM_001406720.1); c.1910-4100dup (NM_001406721.1); c.425-4100dup (NM_001406722.1); short protein forms T2035fs.
Identifiers: ClinVar variation 2674508 (VCV002674508.1), dbSNP rs2548532590, ClinGen allele CA2695199684.

ClinVar aggregate classification (germline): Pathogenic (1 of 4 stars; one submission).

Conditions:
Breast-ovarian cancer, familial, susceptibility to, 2 (BROVCA2). Also called: BRCA2 Hereditary Breast and Ovarian Cancer. Identifiers: Orphanet 145, MedGen C2675520, MONDO:0012933, OMIM 612555. Disease mechanism: loss of function.

Submission:

Myriad Genetics, Inc.
Classification: Pathogenic for Breast-ovarian cancer, familial, susceptibility to, 2. Last evaluated: 2023-07-21. Review status: criteria provided, single submitter. Criteria: Myriad Autosomal Dominant, Autosomal Recessive and X-Linked Classification Criteria (2023). Collection method: clinical testing. Allele origin: unknown.
Comment: This variant is considered pathogenic. This variant creates a frameshift predicted to result in premature protein truncation.